The following is an entry in ClinVar:

NM_021922.3(FANCE):c.213G>T (p.Glu71Asp)

Genes: FANCE (FA complementation group E; plus strand), LOC129996245 (ATAC-STARR-seq lymphoblastoid silent region 17092; plus strand). Cytogenetic location: 6p21.31.
Variant type: single nucleotide variant.
Coding change: c.213G>T on transcript NM_021922.3 (MANE Select); coding-DNA position 213, G replaced by T.
Protein change: p.Glu71Asp; replaces glutamic acid 71 with aspartic acid.
Molecular consequence: missense variant.
Genome position (GRCh38, 1-based): chr6:35,452,758, G>T. VCF-style: chr6-35452758-G-T. GRCh37 (hg19) VCF-style: chr6-35420535-G-T.
Other names: c.213G>T, p.Glu71Asp (NM_001410876.1); short protein forms E71D.
Identifiers: ClinVar variation 3848362 (VCV003848362.2).

ClinVar aggregate classification (germline): Uncertain significance. Review status: criteria provided, multiple submitters, no conflicts (2 of 4 stars). 2 submissions from 2 submitters: Uncertain significance (2). Last evaluated 2025-04-09.

Conditions:
Fanconi anemia complementation group E (FANCE). Also called: FANCE-Related Fanconi Anemia. Identifiers: Orphanet 84, MedGen C3160739, MONDO:0010953, OMIM 600901.
Inborn genetic diseases. Identifiers: MedGen C0950123, MeSH D030342.

Submissions (2):

Labcorp Genetics (formerly Invitae), Labcorp
Classification: Uncertain significance for Fanconi anemia complementation group E. Last evaluated: 2025-04-09. Review status: criteria provided, single submitter. Criteria: Invitae Variant Classification Sherloc (09022015). Collection method: clinical testing. Allele origin: germline.
Comment: This sequence change replaces glutamic acid, which is acidic and polar, with aspartic acid, which is acidic and polar, at codon 71 of the FANCE protein (p.Glu71Asp). This variant is not present in population databases (gnomAD no frequency). This variant has not been reported in the literature in individuals affected with FANCE-related conditions. Invitae Evidence Modeling of protein sequence and biophysical properties (such as structural, functional, and spatial information, amino acid conservation, physicochemical variation, residue mobility, and thermodynamic stability) indicates that this missense variant is expected to disrupt FANCE protein function with a positive predictive value of 80%. In summary, the available evidence is currently insufficient to determine the role of this variant in disease. Therefore, it has been classified as a Variant of Uncertain Significance.

Ambry Genetics
Classification: Uncertain significance for Inborn genetic diseases. Last evaluated: 2025-03-08. Review status: criteria provided, single submitter. Criteria: Ambry Variant Classification Scheme 2023. Collection method: clinical testing. Allele origin: germline.